The following is an entry in ClinVar:

ClinVar aggregate classification (germline): Uncertain significance. Review status: criteria provided, multiple submitters, no conflicts (2 of 4 stars). 2 submissions from 2 submitters: Uncertain significance (2). Last evaluated 2025-12-15.

Conditions:
Inborn genetic diseases. Identifiers: MedGen C0950123, MeSH D030342.

gnomAD v4.1: 2 of 1,614,136 alleles (0.00012%); highest among the groups gnomAD compares: Non-Finnish European, 0.00017%; no homozygotes.

Submissions (2):

Ambry Genetics
Classification: Uncertain significance for Inborn genetic diseases. Last evaluated: 2025-12-15. Review status: criteria provided, single submitter. Criteria: Ambry Variant Classification Scheme 2023. Collection method: clinical testing. Allele origin: germline.

Labcorp Genetics (formerly Invitae), Labcorp
Classification: Uncertain significance. Last evaluated: 2025-02-09. Review status: criteria provided, single submitter. Criteria: Invitae Variant Classification Sherloc (09022015). Collection method: clinical testing. Allele origin: germline.
Comment: This sequence change replaces aspartic acid, which is acidic and polar, with asparagine, which is neutral and polar, at codon 374 of the USP7 protein (p.Asp374Asn). This variant is not present in population databases (gnomAD no frequency). This variant has not been reported in the literature in individuals affected with USP7-related conditions. An algorithm developed to predict the effect of missense changes on protein structure and function (PolyPhen-2) suggests that this variant is likely to be disruptive. In summary, the available evidence is currently insufficient to determine the role of this variant in disease. Therefore, it has been classified as a Variant of Uncertain Significance.

NM_003470.3(USP7):c.1120G>A (p.Asp374Asn)

Gene: USP7 (ubiquitin specific peptidase 7; minus strand). Cytogenetic location: 16p13.2.
Variant type: single nucleotide variant.
Coding change: c.1120G>A on transcript NM_003470.3 (MANE Select); coding-DNA position 1120, G replaced by A.
Protein change: p.Asp374Asn; replaces aspartic acid 374 with asparagine.
Molecular consequence: missense variant. On other transcripts: non-coding transcript variant (1).
Genome position (GRCh38, 1-based): chr16:8,910,786, C>T on the plus strand (G>A on the coding strand, the complement: USP7 is on the minus strand). VCF-style: chr16-8910786-C-T. GRCh37 (hg19) VCF-style: chr16-9004643-C-T.
Other names: c.1072G>A, p.Asp358Asn (NM_001286457.2); c.823G>A, p.Asp275Asn (NM_001286458.2); c.946G>A, p.Asp316Asn (NM_001321858.2); c.1120G>A (NM_003470.2); short protein forms D275N, D316N, D358N, D374N.
Identifiers: ClinVar variation 3605327 (VCV003605327.3).
Genomic context (GRCh38, chr16:8,910,786, plus strand): 5'-CACAAAACACTCAATTTACCTGTAAGCCATGTTCCCCAGCGTCGTATTTATTGTCCCCAT[C>T]GAGCTGTTCTACTGCCACATAATCCACAAATGATTCAAATACTTTAAAGAGAGAGAGAGA-3'
Protein context (NP_003461.2, residues 364-384): FVDYVAVEQL[Asp374Asn]GDNKYDAGEH